The following is an entry in ClinVar:

NM_006005.3(WFS1):c.1480G>T (p.Gly494Cys)

Gene: WFS1 (wolframin ER transmembrane glycoprotein; plus strand). Cytogenetic location: 4p16.1.
Variant type: single nucleotide variant.
Coding change: c.1480G>T on transcript NM_006005.3 (MANE Select); coding-DNA position 1480, G replaced by T.
Protein change: p.Gly494Cys; replaces glycine 494 with cysteine.
Molecular consequence: missense variant.
Genome position (GRCh38, 1-based): chr4:6,301,275, G>T. VCF-style: chr4-6301275-G-T. GRCh37 (hg19) VCF-style: chr4-6303002-G-T.
Other names: c.1480G>T, p.Gly494Cys (NM_001145853.1); short protein forms G494C.
Identifiers: ClinVar variation 2181636 (VCV002181636.4), dbSNP rs760692398, ClinGen allele CA356175131.

ClinVar aggregate classification (germline): Uncertain significance (1 of 4 stars; one submission).

Submission:

Labcorp Genetics (formerly Invitae), Labcorp
Classification: Uncertain significance. Last evaluated: 2022-06-07. Review status: criteria provided, single submitter. Criteria: Invitae Variant Classification Sherloc (09022015). Collection method: clinical testing. Allele origin: germline.
Comment: In summary, the available evidence is currently insufficient to determine the role of this variant in disease. Therefore, it has been classified as a Variant of Uncertain Significance. This sequence change replaces glycine, which is neutral and non-polar, with cysteine, which is neutral and slightly polar, at codon 494 of the WFS1 protein (p.Gly494Cys). This variant is not present in population databases (gnomAD no frequency). This variant has not been reported in the literature in individuals affected with WFS1-related conditions. Advanced modeling of protein sequence and biophysical properties (such as structural, functional, and spatial information, amino acid conservation, physicochemical variation, residue mobility, and thermodynamic stability) performed at Invitae indicates that this missense variant is expected to disrupt WFS1 protein function.